The following is an entry in ClinVar:

ClinVar aggregate classification (germline): Benign/Likely benign. Review status: criteria provided, multiple submitters, no conflicts (2 of 4 stars). 3 submissions from 3 submitters: Benign (1); Likely benign (2). Last evaluated 2025-03-26.

Conditions:
Peutz-Jeghers syndrome (PJS). Also called: POLYPOSIS, HAMARTOMATOUS INTESTINAL; POLYPS-AND-SPOTS SYNDROME; Peutz-Jeghers polyposis; Periorificial lentiginosis syndrome. Identifiers: Orphanet 2869, MedGen C0031269, MeSH D010580, MONDO:0008280, OMIM 175200.
Hereditary cancer-predisposing syndrome. Also called: Neoplastic Syndromes, Hereditary; Hereditary neoplastic syndrome; Tumor predisposition; Hereditary Cancer Syndrome. Identifiers: Orphanet 140162, MedGen C0027672, MeSH D009386, MONDO:0015356.

Submissions (3):

Myriad Genetics, Inc.
Classification: Benign for Peutz-Jeghers syndrome. Last evaluated: 2025-03-26. Review status: criteria provided, single submitter. Criteria: Myriad Autosomal Dominant, Autosomal Recessive and X-Linked Classification Criteria (2023). Collection method: clinical testing. Allele origin: unknown.
Comment: This variant is considered benign. This variant is a silent/synonymous amino acid change and it is not expected to impact splicing.

Ambry Genetics
Classification: Likely benign for Hereditary cancer-predisposing syndrome. Last evaluated: 2024-09-23. Review status: criteria provided, single submitter. Criteria: Ambry Variant Classification Scheme 2023. Collection method: clinical testing. Allele origin: germline.

Labcorp Genetics (formerly Invitae), Labcorp
Classification: Likely benign for Peutz-Jeghers syndrome. Last evaluated: 2023-12-11. Review status: criteria provided, single submitter. Criteria: Invitae Variant Classification Sherloc (09022015). Collection method: clinical testing. Allele origin: germline.

NM_000455.5(STK11):c.585G>A (p.Leu195=)

Gene: STK11 (serine/threonine kinase 11; plus strand). Cytogenetic location: 19p13.3.
Variant type: single nucleotide variant.
Coding change: c.585G>A on transcript NM_000455.5 (MANE Select); coding-DNA position 585, G replaced by A.
Protein change: p.Leu195=; no amino-acid change (leucine 195 retained).
Molecular consequence: synonymous variant.
Genome position (GRCh38, 1-based): chr19:1,220,493, G>A. VCF-style: chr19-1220493-G-A. GRCh37 (hg19) VCF-style: chr19-1220492-G-A.
Identifiers: ClinVar variation 845920 (VCV000845920.11), dbSNP rs2080775062, ClinGen allele CA504892349.